The following is an entry in ClinVar:

NM_000540.3(RYR1):c.10555C>T (p.Pro3519Ser)

Gene: RYR1 (ryanodine receptor 1; plus strand). Cytogenetic location: 19q13.2.
Variant type: single nucleotide variant.
Coding change: c.10555C>T on transcript NM_000540.3 (MANE Select); coding-DNA position 10555, C replaced by T.
Protein change: p.Pro3519Ser; replaces proline 3519 with serine.
Molecular consequence: missense variant.
Genome position (GRCh38, 1-based): chr19:38,525,431, C>T. VCF-style: chr19-38525431-C-T. GRCh37 (hg19) VCF-style: chr19-39016071-C-T.
Other names: c.10540C>T, p.Pro3514Ser (NM_001042723.2); short protein forms P3514S, P3519S.
Identifiers: ClinVar variation 1685080 (VCV001685080.3), dbSNP rs2145712109, ClinGen allele CA405643717.

ClinVar aggregate classification (germline): Uncertain significance. Review status: criteria provided, multiple submitters, no conflicts (2 of 4 stars). 2 submissions from 2 submitters: Uncertain significance (2). Last evaluated 2025-02-24.

Submissions (2):

Dasa
Classification: Uncertain significance. Last evaluated: 2025-02-24. Review status: criteria provided, single submitter. Criteria: DASA Assertion Criteria. Collection method: clinical testing. Allele origin: germline.
Comment: NM_000540.3(RYR1):c.10555C>T (p.Pro3519Ser) is a missense variant that results in the substitution of proline with serine. This variant is absent from population databases. Computational prediction algorithms are consistent with a deleterious effect. The currently available literature and clinical evidence are not sufficient to establish a definitive association between this variant and the reported condition. Therefore, this variant is classified as a variant of uncertain significance.

Mendelics
Classification: Uncertain significance. Last evaluated: 2022-05-04. Review status: criteria provided, single submitter. Criteria: Mendelics Assertion Criteria 2019. Collection method: clinical testing. Allele origin: germline.